The following is an entry in ClinVar:

ClinVar aggregate classification (germline): Uncertain significance (1 of 4 stars; one submission).

Conditions:
Hereditary cancer-predisposing syndrome. Also called: Tumor predisposition; Hereditary Cancer Syndrome; Hereditary neoplastic syndrome; Neoplastic Syndromes, Hereditary. Identifiers: Orphanet 140162, MedGen C0027672, MeSH D009386, MONDO:0015356.

Submission:

Ambry Genetics
Classification: Uncertain significance for Hereditary cancer-predisposing syndrome. Last evaluated: 2024-04-10. Review status: criteria provided, single submitter. Criteria: Ambry Variant Classification Scheme 2023. Collection method: clinical testing. Allele origin: germline.
Comment: The p.D419V variant (also known as c.1256A>T), located in coding exon 8 of the PDGFRA gene, results from an A to T substitution at nucleotide position 1256. The aspartic acid at codon 419 is replaced by valine, an amino acid with highly dissimilar properties. This amino acid position is conserved. In addition, the in silico prediction for this alteration is inconclusive. Based on the available evidence, the clinical significance of this variant remains unclear.

NM_006206.6(PDGFRA):c.1256A>T (p.Asp419Val)

Gene: PDGFRA (platelet derived growth factor receptor alpha; plus strand). Cytogenetic location: 4q12.
Variant type: single nucleotide variant.
Coding change: c.1256A>T on transcript NM_006206.6 (MANE Select); coding-DNA position 1256, A replaced by T.
Protein change: p.Asp419Val; replaces aspartic acid 419 with valine.
Molecular consequence: missense variant.
Genome position (GRCh38, 1-based): chr4:54,272,412, A>T. VCF-style: chr4-54272412-A-T. GRCh37 (hg19) VCF-style: chr4-55138579-A-T.
Other names: c.1256A>T, p.Asp419Val (NM_001347827.2, NM_001347829.2); c.1331A>T, p.Asp444Val (NM_001347828.2); c.1295A>T, p.Asp432Val (NM_001347830.2); short protein forms D432V, D419V, D444V.
Identifiers: ClinVar variation 3305471 (VCV003305471.1).